The following is an entry in ClinVar:

ClinVar aggregate classification (germline): Uncertain significance. Review status: criteria provided, multiple submitters, no conflicts (2 of 4 stars). 3 submissions from 3 submitters: Uncertain significance (2). 1 of the submissions does not count toward it. Last evaluated 2024-10-02.

Conditions:
Intellectual disability. Also called: intellectual disabilities; Intellectual developmental disorder; Intellectual functioning disability. Identifiers: MedGen C3714756, MeSH D008607, MONDO:0001071, HP:0001249.

Allele frequency attached by ClinVar (database versions not stated): TOPMed below 0.00001; gnomAD 0.00001; gnomAD exomes 0.00001.
gnomAD v4.1: 4 of 1,613,212 alleles (0.00025%); highest among the groups gnomAD compares: Non-Finnish European, 0.00034%; no homozygotes.

Submissions (3):

Blueprint Genetics
Classification: Uncertain significance. Last evaluated: 2024-10-02. Review status: criteria provided, single submitter. Criteria: ACMG Guidelines, 2015. Collection method: clinical testing. Allele origin: germline.

GeneDx
Classification: Uncertain significance. Last evaluated: 2021-06-09. Review status: criteria provided, single submitter. Criteria: GeneDx Variant Classification Process June 2021. Collection method: clinical testing. Allele origin: germline. Affected: yes.
Comment: Not observed at significant frequency in large population cohorts (Lek et al., 2016); In silico analysis supports that this missense variant does not alter protein structure/function; Has not been previously published as pathogenic or benign to our knowledge; This variant is associated with the following publications: (PMID: 27535533, 25496299)

Centre de Biologie Pathologie Génétique, Centre Hospitalier Universitaire de Lille
Classification: Likely benign for Intellectual disability. Last evaluated: 2019-01-01. Review status: no assertion criteria provided. Collection method: clinical testing. Allele origin: inherited. Affected: yes. Not counted in ClinVar's aggregate classification.

NM_004722.4(AP4M1):c.1148C>G (p.Pro383Arg)

Gene: AP4M1 (adaptor related protein complex 4 subunit mu 1; plus strand). Cytogenetic location: 7q22.1.
Variant type: single nucleotide variant.
Coding change: c.1148C>G on transcript NM_004722.4 (MANE Select); coding-DNA position 1148, C replaced by G.
Protein change: p.Pro383Arg; replaces proline 383 with arginine.
Molecular consequence: missense variant.
Genome position (GRCh38, 1-based): chr7:100,106,668, C>G. VCF-style: chr7-100106668-C-G. GRCh37 (hg19) VCF-style: chr7-99704291-C-G.
Other names: c.1169C>G, p.Pro390Arg (NM_001363671.2); short protein forms P383R, P390R.
Identifiers: ClinVar variation 975181 (VCV000975181.4), dbSNP rs1462415418, ClinGen allele CA368476236.